The following is an entry in ClinVar:

NM_000138.5(FBN1):c.719G>A (p.Arg240His)

Gene: FBN1 (fibrillin 1; minus strand). Cytogenetic location: 15q21.1.
Variant type: single nucleotide variant.
Coding change: c.719G>A on transcript NM_000138.5 (MANE Select); coding-DNA position 719, G replaced by A.
Protein change: p.Arg240His; replaces arginine 240 with histidine.
Molecular consequence: missense variant.
Genome position (GRCh38, 1-based): chr15:48,537,628, C>T on the plus strand (G>A on the coding strand, the complement: FBN1 is on the minus strand). VCF-style: chr15-48537628-C-T. GRCh37 (hg19) VCF-style: chr15-48829825-C-T.
Other names: p.Arg240His; short protein forms R240H.
Identifiers: ClinVar variation 449122 (VCV000449122.51), dbSNP rs768744583, ClinGen allele CA057995.
Genomic context (GRCh38, chr15:48,537,628, plus strand): 5'-AAATAAGATTAATCCATTAATAATTCCATCAGCCCGGGTTTACCTTGACAAGCTCCCGTG[C>T]GGATATTTGGAATGAAGCCACGGCGGCAGGGGTGAGGCTGGGCAGGACACATCTCACAGG-3'
Protein context (NP_000129.3, residues 230-250): PCRRGFIPNI[Arg240His]TGACQDVDEC

ClinVar aggregate classification (germline): Uncertain significance. Review status: criteria provided, multiple submitters, no conflicts (2 of 4 stars). 12 submissions from 12 submitters: Uncertain significance (12). Last evaluated 2025-12-06.

Conditions:
Ectopia lentis 1, isolated, autosomal dominant (ECTOL1). Identifiers: Orphanet 1885, MedGen C3541518, MONDO:0007514, OMIM 129600.
MASS syndrome (OCTD). Also called: MASS PHENOTYPE; OVERLAP CONNECTIVE TISSUE DISEASE. Identifiers: MedGen C1858556, MONDO:0011431, OMIM 604308.
Marfan syndrome (MFS). Also called: MARFAN SYNDROME, TYPE I; Marfan's syndrome; Marfan syndrome, classic; Marfan syndrome type 1; FBN1-Related Marfan Syndrome. Identifiers: Orphanet 284963, Orphanet 558, MedGen C0024796, MONDO:0007947, OMIM 154700.
Stiff skin syndrome (SSKS). Identifiers: Orphanet 2833, MedGen C1861456, MONDO:0008492, OMIM 184900.
Geleophysic dysplasia 2 (GPHYSD2). Identifiers: Orphanet 2623, MedGen C3280054, MONDO:0013612, OMIM 614185.
Weill-Marchesani syndrome 2, dominant. Also called: Weill-Marchesani Syndrome, Autosomal Dominant; FBN1-Related Weill-Marchesani Syndrome. Identifiers: Orphanet 2084, MedGen C1869115, MONDO:0012013, OMIM 608328.
Acromicric dysplasia (ACMICD). Also called: Acromicric skeletal dysplasia. Identifiers: Orphanet 969, MedGen C0265287, MONDO:0007055, OMIM 102370.
Progeroid and marfanoid aspect-lipodystrophy syndrome. Also called: MARFANOID-PROGEROID-LIPODYSTROPHY SYNDROME; MARFANOID-PROGEROID SYNDROME; MARFAN-PROGEROID-LIPODYSTROPHY SYNDROME; Marfan lipodystrophy syndrome. Identifiers: Orphanet 300382, MedGen C4310796, MONDO:0014831, OMIM 616914.
Familial thoracic aortic aneurysm and aortic dissection (TAAD). Also called: Thoracic aortic aneurysms and dissections. Identifiers: Orphanet 91387, MedGen C4707243, MONDO:0019625.

Allele frequency attached by ClinVar (database versions not stated): ExAC 0.00001.
gnomAD v4.1: 13 of 1,614,030 alleles (0.00081%); highest among the groups gnomAD compares: Middle Eastern, 0.033%; no homozygotes.

Submissions (12):

Labcorp Genetics (formerly Invitae), Labcorp
Classification: Uncertain significance for Marfan syndrome; Familial thoracic aortic aneurysm and aortic dissection. Last evaluated: 2025-12-06. Review status: criteria provided, single submitter. Criteria: Invitae Variant Classification Sherloc (09022015). Collection method: clinical testing. Allele origin: germline.
Comment: This sequence change replaces arginine, which is basic and polar, with histidine, which is basic and polar, at codon 240 of the FBN1 protein (p.Arg240His). This variant is present in population databases (rs768744583, gnomAD 0.0009%). This missense change has been observed in individual(s) with clinical features of Marfan syndrome. In at least one individual, this variant co-occurred with a pathogenic variant in the FBN1 gene. (PMID: 19059503; internal data). ClinVar contains an entry for this variant (Variation ID: 449122). Invitae Evidence Modeling of protein sequence and biophysical properties (such as structural, functional, and spatial information, amino acid conservation, physicochemical variation, residue mobility, and thermodynamic stability) has been performed for this missense variant. However, the output from this modeling did not meet the statistical confidence thresholds required to predict the impact of this variant on FBN1 protein function. In summary, the available evidence is currently insufficient to determine the role of this variant in disease. Therefore, it has been classified as a Variant of Uncertain Significance.

GeneDx
Classification: Uncertain significance. Last evaluated: 2025-11-18. Review status: criteria provided, single submitter. Criteria: GeneDx Variant Classification Process June 2021. Collection method: clinical testing. Allele origin: germline. Affected: yes.
Comment: Reported in two siblings with Marfan syndrome who also harbor a frameshift variant on the opposite allele (in trans); the p.(R240H) variant was inherited from the unaffected father (PMID: 19059503); Not observed at significant frequency in large population cohorts (gnomAD); In silico analysis suggests that this missense variant does not alter protein structure/function; Does not affect a cysteine or calcium-binding residue within an EGF-like domain or a TGF-binding protein domain of the FBN1 gene; cysteine substitutions in the EGF-like domains represent the majority of pathogenic missense changes associated with FBN1-related disorders (PMID: 12938084); This variant is associated with the following publications: (PMID: 27582083, 27437668, 31098894, 34426522, 24941995, 19059503, 12938084)

CeGaT Center for Human Genetics Tuebingen
Classification: Uncertain significance. Last evaluated: 2025-10-01. Review status: criteria provided, single submitter. Criteria: CeGaT Center For Human Genetics Tuebingen Variant Classification Criteria Version 2. Collection method: clinical testing. Allele origin: germline. Affected: yes. Observed: 3 variant alleles.
Comment: FBN1: PM2, PM5, PP3

Mayo Clinic Laboratories, Mayo Clinic
Classification: Uncertain significance. Last evaluated: 2025-09-25. Review status: criteria provided, single submitter. Criteria: ACMG Guidelines, 2015. Collection method: clinical testing. Allele origin: germline. Observed: 1 variant allele.
Comment: BS4, PM2_supporting

Color Diagnostics, LLC DBA Color Health
Classification: Uncertain significance for Familial thoracic aortic aneurysm and aortic dissection. Last evaluated: 2025-05-26. Review status: criteria provided, single submitter. Criteria: ACMG Guidelines, 2015. Collection method: clinical testing. Allele origin: germline.
Comment: This missense variant replaces arginine with histidine at codon 240 of the FBN1 protein. Computational prediction suggests that this variant may have a deleterious impact on protein structure and function. To our knowledge, functional studies have not been performed for this variant. This variant has been reported in two siblings affected with Marfan syndrome, who also carried a pathogenic truncation variant in the same gene (PMID: 19059503). Their affected parent carried the truncation variant, and this missense variant was inherited from an unaffected parent. This variant has been identified in 1/245956 chromosomes in the general population by the Genome Aggregation Database (gnomAD). The available evidence is insufficient to determine the role of this variant in disease conclusively. Therefore, this variant is classified as a Variant of Uncertain Significance.

Women's Health and Genetics/Laboratory Corporation of America, LabCorp
Classification: Uncertain significance. Last evaluated: 2025-05-05. Review status: criteria provided, single submitter. Criteria: LabCorp Variant Classification Summary - May 2015. Collection method: clinical testing. Allele origin: germline.
Comment: Variant summary: FBN1 c.719G>A (p.Arg240His) results in a non-conservative amino acid change in the encoded protein sequence. Algorithms developed to predict the effect of missense changes on protein structure and function are either unavailable or do not agree on the potential impact of this missense change. The variant was absent in 251226 control chromosomes. The available data on variant occurrences in the general population are insufficient to allow any conclusion about variant significance. c.719G>A has been reported in the literature in a family with Marfan Syndrome (van Dijk_2009). In this report, the two affected probands carried both the c.719G>A variant (inherited from their unaffected father) as well as the c.3861delC (inherited from their affected mother). While this suggests the truncating variant to be the causitive variant in this family, the authors note the c.719G>A variant may have a potentially modifying effect, as evidence by the probands having a more severe clinical phenotype than their mother (van Dijk_2009). Since the penetrance of Marfan Syndrome (0.67) due to this variant appears to be lower than expected (0.8), no conclusions can be drawn from these data. A different variant affecting the same codon has been classified as likely pathogenic/pathogenic by our lab (c.718C>T, p.Arg240Cys), supporting the critical relevance of codon 240 to FBN1 protein function. To our knowledge, no experimental evidence demonstrating an impact on protein function has been reported. The following publications have been ascertained in the context of this evaluation (PMID: 27582083, 23278365, 31098894, 28636274, 27437668, 19059503). ClinVar contains an entry for this variant (Variation ID: 449122). Based on the evidence outlined above, the variant was classified as uncertain significance.

All of Us Research Program, National Institutes of Health
Classification: Uncertain significance for Marfan syndrome. Last evaluated: 2023-11-30. Review status: criteria provided, single submitter. Criteria: ACMG Guidelines, 2015. Collection method: clinical testing. Allele origin: germline. Inheritance: Autosomal dominant inheritance. Observed: 4 variant alleles, 4 heterozygotes.
Comment: This missense variant replaces arginine with histidine at codon 240 of the FBN1 protein. Computational prediction tool suggests that this variant may have deleterious impact on protein structure and function (internally defined REVEL score threshold >=0.7, PMID: 27666373). To our knowledge, functional studies have not been performed for this variant. This variant has been reported in two siblings affected with Marfan syndrome, who also carried a pathogenic truncation c.3861delC in the same gene (PMID: 19059503). Their affected mother carried the truncation variant, and this missense variant was inherited from unaffected father. This variant has been identified in 1/245956 chromosomes in the general population by the Genome Aggregation Database (gnomAD). The available evidence is insufficient to determine the role of this variant in disease conclusively. Therefore, this variant is classified as a Variant of Uncertain Significance.

This study involves interpretation of variants in research participants for the purpose of population health screening. Participant phenotype was not available at the time of variant classification. Additional details can be found in publication PMID: 35346344, PMCID: PMC8962531

Ambry Genetics
Classification: Uncertain significance for Familial thoracic aortic aneurysm and aortic dissection. Last evaluated: 2023-10-25. Review status: criteria provided, single submitter. Criteria: Ambry Variant Classification Scheme 2023. Collection method: clinical testing. Allele origin: germline.
Comment: The p.R240H variant (also known as c.719G>A), located in coding exon 6 of the FBN1 gene, results from a G to A substitution at nucleotide position 719. The arginine at codon 240 is replaced by histidine, an amino acid with highly similar properties. In one study, p.R240H was identified in two probands in one family in conjunction with the c.3861delC pathogenic FBN1 mutation. In this family, p.R240H was inherited from the unaffected father, and c.3861delC was inherited from the affected mother; however, the probands appeared to have a more severe clinical phenotype than their mother (Van Dijk FS et al. Eur J Med Genet. 2009;52(1):1-5). This amino acid position is highly conserved in available vertebrate species. In addition, this alteration is predicted to be deleterious by in silico analysis. Since supporting evidence is limited at this time, the clinical significance of this alteration remains unclear.

Blueprint Genetics
Classification: Uncertain significance. Last evaluated: 2023-08-24. Review status: criteria provided, single submitter. Criteria: ACMG Guidelines, 2015. Collection method: clinical testing. Allele origin: germline.

Fulgent Genetics
Classification: Uncertain significance for Acromicric dysplasia; Ectopia lentis 1, isolated, autosomal dominant; Marfan syndrome; Stiff skin syndrome; MASS syndrome; Weill-Marchesani syndrome 2, dominant; Geleophysic dysplasia 2; Progeroid and marfanoid aspect-lipodystrophy syndrome. Last evaluated: 2021-10-13. Review status: criteria provided, single submitter. Criteria: ACMG Guidelines, 2015. Collection method: clinical testing. Allele origin: unknown.

Mendelics
Classification: Uncertain significance for Marfan syndrome. Last evaluated: 2019-05-28. Review status: criteria provided, single submitter. Criteria: Mendelics Assertion Criteria 2017. Collection method: clinical testing. Allele origin: unknown.

CHEO Genetics Diagnostic Laboratory, Children's Hospital of Eastern Ontario
Classification: Uncertain significance for Familial thoracic aortic aneurysm and aortic dissection. Last evaluated: 2017-12-14. Review status: criteria provided, single submitter. Criteria: ACMG Guidelines, 2015. Collection method: clinical testing. Allele origin: germline.

Literature cited by the submitters: PubMed 19059503 (cited by 5 submitters); PubMed 27582083 (cited by Mayo Clinic Laboratories, Mayo Clinic and Women's Health and Genetics/Laboratory Corporation of America, LabCorp); PubMed 23278365 (cited by Women's Health and Genetics/Laboratory Corporation of America, LabCorp); PubMed 31098894 (cited by Women's Health and Genetics/Laboratory Corporation of America, LabCorp); PubMed 28636274 (cited by Women's Health and Genetics/Laboratory Corporation of America, LabCorp); PubMed 27437668 (cited by Women's Health and Genetics/Laboratory Corporation of America, LabCorp).